The following is an entry in ClinVar:

NM_006363.6(SEC23B):c.2143A>G (p.Ser715Gly)

Gene: SEC23B (SEC23 homolog B, COPII component; plus strand). Cytogenetic location: 20p11.23.
Variant type: single nucleotide variant.
Coding change: c.2143A>G on transcript NM_006363.6 (MANE Select); coding-DNA position 2143, A replaced by G.
Protein change: p.Ser715Gly; replaces serine 715 with glycine.
Molecular consequence: missense variant.
Genome position (GRCh38, 1-based): chr20:18,554,385, A>G. VCF-style: chr20-18554385-A-G. GRCh37 (hg19) VCF-style: chr20-18535029-A-G.
Other names: p.Ser715Gly; c.2143A>G, p.Ser715Gly (NM_001172745.3, NM_032985.6, NM_032986.5); c.2089A>G, p.Ser697Gly (NM_001172746.3); short protein forms S697G, S715G.
Identifiers: ClinVar variation 897981 (VCV000897981.7), dbSNP rs777442287, ClinGen allele CA9778600.
Genomic context (GRCh38, chr20:18,554,385, plus strand): 5'-CAAGAAATTCTGCAAGCACGCTTCCCGATGCCACGTTACATCAACACGGAGCATGGAGGC[A>G]GTCAGGTGAGTGAGCTGAGTTCTAACTCCAGTGGTTTGTTCGTTTTATGATAGATTGTTA-3'
Protein context (NP_006354.2, residues 705-725): PRYINTEHGG[Ser715Gly]QARFLLSKVN

ClinVar aggregate classification (germline): Uncertain significance. Review status: criteria provided, multiple submitters, no conflicts (2 of 4 stars). 4 submissions from 4 submitters: Uncertain significance (4). Last evaluated 2024-12-05.

Conditions:
Inborn genetic diseases. Identifiers: MedGen C0950123, MeSH D030342.
Congenital dyserythropoietic anemia, type II (CDAN2). Also called: DYSERYTHROPOIETIC ANEMIA, HEMPAS TYPE. Identifiers: Orphanet 98873, MedGen C1306589, MONDO:0009134, OMIM 224100.

Allele frequency attached by ClinVar (database versions not stated): TOPMed 0.00001; ExAC 0.00002; gnomAD 0.00002 and 0.00003; gnomAD exomes 0.00002.
gnomAD v4.1: 18 of 1,614,128 alleles (0.0011%); highest among the groups gnomAD compares: Non-Finnish European, 0.0014%; no homozygotes.

Submissions (4):

Mayo Clinic Laboratories, Mayo Clinic
Classification: Uncertain significance. Last evaluated: 2024-12-05. Review status: criteria provided, single submitter. Criteria: ACMG Guidelines, 2015. Collection method: clinical testing. Allele origin: germline. Observed: 1 variant allele.
Comment: PM2_supporting

Ambry Genetics
Classification: Uncertain significance for Inborn genetic diseases. Last evaluated: 2024-10-22. Review status: criteria provided, single submitter. Criteria: Ambry Variant Classification Scheme 2023. Collection method: clinical testing. Allele origin: germline.

Blueprint Genetics
Classification: Uncertain significance. Last evaluated: 2023-06-30. Review status: criteria provided, single submitter. Criteria: ACMG Guidelines, 2015. Collection method: clinical testing. Allele origin: germline.

Illumina Laboratory Services, Illumina
Classification: Uncertain significance for Congenital dyserythropoietic anemia, type II. Last evaluated: 2018-01-13. Review status: criteria provided, single submitter. Criteria: ICSL Variant Classification Criteria 13 December 2019. Collection method: clinical testing. Allele origin: germline.